The following is an entry in ClinVar:

ClinVar aggregate classification (germline): Likely benign. Review status: criteria provided, multiple submitters, no conflicts (2 of 4 stars). 2 submissions from 2 submitters: Likely benign (2). Last evaluated 2024-11-18.

Allele frequency attached by ClinVar (database versions not stated): gnomAD 0.00024; ExAC 0.00029; TOPMed 0.00033; ESP Exome Variant Server 0.00038.
gnomAD v4.1: 434 of 1,613,674 alleles (0.027%); highest among the groups gnomAD compares: Middle Eastern, 0.016%; 4 homozygotes.

Submissions (2):

Blueprint Genetics
Classification: Likely benign. Last evaluated: 2024-11-18. Review status: criteria provided, single submitter. Criteria: ACMG Guidelines, 2015. Collection method: clinical testing. Allele origin: germline.

Laboratory for Molecular Medicine, Mass General Brigham Personalized Medicine
Classification: Likely benign. Last evaluated: 2015-12-22. Review status: criteria provided, single submitter. Criteria: LMM Criteria. Collection method: clinical testing. Allele origin: germline. Observed: 3 variant alleles.
Comment: p.Arg1521Arg in Exon 24 of STRC: This variant is not expected to have clinical s ignificance because it does not alter an amino acid residue, is not located with in the splice consensus sequence, and has been identified in 34/66352 European c hromosomes by the Exome Aggregation Consortium (dbSNP rs140729822).

NM_153700.2(STRC):c.4563G>A (p.Arg1521=)

Gene: STRC (stereocilin; minus strand). Cytogenetic location: 15q15.3.
Variant type: single nucleotide variant.
Coding change: c.4563G>A on transcript NM_153700.2 (MANE Select); coding-DNA position 4563, G replaced by A.
Protein change: p.Arg1521=; no amino-acid change (arginine 1521 retained).
Molecular consequence: synonymous variant.
Genome position (GRCh38, 1-based): chr15:43,601,534, C>T on the plus strand (G>A on the coding strand, the complement: STRC is on the minus strand). VCF-style: chr15-43601534-C-T. GRCh37 (hg19) VCF-style: chr15-43893732-C-T.
Identifiers: ClinVar variation 227970 (VCV000227970.6), dbSNP rs140729822, ClinGen allele CA7527980.